The following is an entry in ClinVar:

NM_001123385.2(BCOR):c.1084G>A (p.Ala362Thr)

Genes: BCOR (BCL6 corepressor; minus strand), LOC126863239 (MED14-independent group 3 enhancer GRCh37_chrX:39932994-39934193; plus strand). Cytogenetic location: Xp11.4.
Variant type: single nucleotide variant.
Coding change: c.1084G>A on transcript NM_001123385.2 (MANE Select); coding-DNA position 1084, G replaced by A.
Protein change: p.Ala362Thr; replaces alanine 362 with threonine.
Molecular consequence: missense variant.
Genome position (GRCh38, 1-based): chrX:40,074,262, C>T on the plus strand (G>A on the coding strand, the complement: BCOR is on the minus strand). VCF-style: chrX-40074262-C-T. GRCh37 (hg19) VCF-style: chrX-39933515-C-T.
Other names: c.1084G>A, p.Ala362Thr (NM_001123383.2, NM_001123384.2, NM_017745.6); short protein forms A362T.
Identifiers: ClinVar variation 279700 (VCV000279700.9), dbSNP rs886041140, ClinGen allele CA10603666.

ClinVar aggregate classification (germline): Uncertain significance. Review status: criteria provided, multiple submitters, no conflicts (2 of 4 stars). 3 submissions from 3 submitters: Uncertain significance (3). Last evaluated 2024-08-30.

Conditions:
Oculofaciocardiodental syndrome (MCOPS2). Identifiers: Orphanet 2712, MedGen C1846265, MONDO:0010261, OMIM 300166.

Allele frequency attached by ClinVar (database versions not stated): gnomAD exomes 0.00001 and 0.00002; gnomAD 0.00002; TOPMed 0.00002.
gnomAD v4.1: 21 of 1,210,612 alleles (0.0017%); highest among the groups gnomAD compares: Non-Finnish European, 0.0023%; no homozygotes.

Submissions (3):

Labcorp Genetics (formerly Invitae), Labcorp
Classification: Uncertain significance for Oculofaciocardiodental syndrome. Last evaluated: 2024-08-30. Review status: criteria provided, single submitter. Criteria: Invitae Variant Classification Sherloc (09022015). Collection method: clinical testing. Allele origin: germline.
Comment: This sequence change replaces alanine, which is neutral and non-polar, with threonine, which is neutral and polar, at codon 362 of the BCOR protein (p.Ala362Thr). The frequency data for this variant in the population databases is considered unreliable, as metrics indicate poor data quality at this position in the gnomAD database. This variant has not been reported in the literature in individuals affected with BCOR-related conditions. ClinVar contains an entry for this variant (Variation ID: 279700). An algorithm developed to predict the effect of missense changes on protein structure and function (PolyPhen-2) suggests that this variant is likely to be tolerated. In summary, the available evidence is currently insufficient to determine the role of this variant in disease. Therefore, it has been classified as a Variant of Uncertain Significance.

Genetic Services Laboratory, University of Chicago
Classification: Uncertain significance. Last evaluated: 2016-01-11. Review status: criteria provided, single submitter. Criteria: ACMG Guidelines, 2015. Collection method: clinical testing. Allele origin: germline. Affected: no.

GeneDx
Classification: Uncertain significance. Last evaluated: 2015-10-22. Review status: criteria provided, single submitter. Criteria: GeneDx Variant Classification (06012015). Collection method: clinical testing. Allele origin: germline. Affected: yes.
Comment: The A362T variant in the BCOR gene has not been reported previously as a pathogenic variant nor as a benign variant, to our knowledge. The A362T variant was not observed in approximately 6500 individuals of European and African American ancestry in the NHLBI Exome Sequencing Project, indicating it is not a common benign variant in these populations. The A362T variant is a non-conservative amino acid substitution, which is likely to impact secondary protein structure as these residues differ in polarity, charge, size and/or other properties. This substitution occurs at a position that is not conserved and in silico analysis predicts this variant likely does not alter the protein structure/function. We interpret A362T as a variant of uncertain significance.